The following is an entry in ClinVar:

NM_004655.4(AXIN2):c.1974C>G (p.Ser658Arg)

Gene: AXIN2 (axin 2; minus strand). Cytogenetic location: 17q24.1.
Variant type: single nucleotide variant.
Coding change: c.1974C>G on transcript NM_004655.4 (MANE Select); coding-DNA position 1974, C replaced by G.
Protein change: p.Ser658Arg; replaces serine 658 with arginine.
Molecular consequence: missense variant.
Genome position (GRCh38, 1-based): chr17:65,536,487, G>C on the plus strand (C>G on the coding strand, the complement: AXIN2 is on the minus strand). VCF-style: chr17-65536487-G-C. GRCh37 (hg19) VCF-style: chr17-63532605-G-C.
Other names: c.1974C>G (LRG_296t1); c.1779C>G, p.Ser593Arg (NM_001363813.1); short protein forms S658R, S593R.
Identifiers: ClinVar variation 566169 (VCV000566169.12), dbSNP rs751216221, ClinGen allele CA8718445.
Genomic context (GRCh38, chr17:65,536,487, plus strand): 5'-CAGGTGGGCACGGGGGGTGGTGCGGGGGTGCCCGCTGTTGCCCCCCCACAGATGGTGCCG[G>C]CTGGCTCGTTCGCCTGGAGACGAGCGGGCAGACTCCAAGGGGTAGGCCTTTTTTGTGCTT-3'
Protein context (NP_004646.3, residues 648-668): SARSSPGERA[Ser658Arg]RHHLWGGNSG

ClinVar aggregate classification (germline): Conflicting classifications of pathogenicity. Review status: criteria provided, conflicting classifications (1 of 4 stars). 4 submissions from 4 submitters: Uncertain significance (3); Benign (1). Last evaluated 2025-12-15.

Conditions:
Hereditary cancer-predisposing syndrome. Also called: Neoplastic Syndromes, Hereditary; Tumor predisposition; Hereditary neoplastic syndrome; Hereditary Cancer Syndrome. Identifiers: Orphanet 140162, MedGen C0027672, MeSH D009386, MONDO:0015356.
Oligodontia-cancer predisposition syndrome. Also called: TOOTH AGENESIS-COLORECTAL CANCER SYNDROME. Identifiers: Orphanet 300576, MedGen C1837750, MONDO:0012075, OMIM 608615. Disease mechanism: loss of function.
Colorectal cancer. Also called: Colorectal cancer, somatic; Malignant Colorectal Neoplasm. Identifiers: MedGen C0346629, MONDO:0005575, OMIM 114500.

Allele frequency attached by ClinVar (database versions not stated): ExAC 0.00001; gnomAD exomes 0.00001.
gnomAD v4.1: 6 of 1,613,878 alleles (0.00037%); highest among the groups gnomAD compares: Admixed American, 0.01%; no homozygotes.

Submissions (4):

Labcorp Genetics (formerly Invitae), Labcorp
Classification: Uncertain significance for Oligodontia-cancer predisposition syndrome. Last evaluated: 2025-12-15. Review status: criteria provided, single submitter. Criteria: Invitae Variant Classification Sherloc (09022015). Collection method: clinical testing. Allele origin: germline.
Comment: This sequence change replaces serine, which is neutral and polar, with arginine, which is basic and polar, at codon 658 of the AXIN2 protein (p.Ser658Arg). This variant is present in population databases (rs751216221, gnomAD 0.02%). This variant has not been reported in the literature in individuals affected with AXIN2-related conditions. ClinVar contains an entry for this variant (Variation ID: 566169). Invitae Evidence Modeling of protein sequence and biophysical properties (such as structural, functional, and spatial information, amino acid conservation, physicochemical variation, residue mobility, and thermodynamic stability) indicates that this missense variant is not expected to disrupt AXIN2 protein function with a negative predictive value of 80%. In summary, the available evidence is currently insufficient to determine the role of this variant in disease. Therefore, it has been classified as a Variant of Uncertain Significance.

Quest Diagnostics Nichols Institute San Juan Capistrano
Classification: Uncertain significance. Last evaluated: 2025-04-11. Review status: criteria provided, single submitter. Criteria: Quest Diagnostics criteria. Collection method: clinical testing. Allele origin: unknown.
Comment: The AXIN2 c.1974C>G (p.Ser658Arg) variant has not been reported in individuals with AXIN2-related conditions in the published literature. The frequency of this variant in the general population (Genome Aggregation Database) is higher than would generally be expected for pathogenic variants in this gene. Analysis of this variant using bioinformatics tools for the prediction of the effect of amino acid changes on protein structure and function yielded predictions that this variant is benign. Based on the available information, we are unable to determine the clinical significance of this variant.

Ambry Genetics
Classification: Benign for Hereditary cancer-predisposing syndrome. Last evaluated: 2023-11-15. Review status: criteria provided, single submitter. Criteria: Ambry Variant Classification Scheme 2023. Collection method: clinical testing. Allele origin: germline.

Baylor Genetics
Classification: Uncertain significance for Colorectal cancer. Last evaluated: 2023-10-31. Review status: criteria provided, single submitter. Criteria: ACMG Guidelines, 2015. Collection method: clinical testing. Allele origin: unknown.